The following is an entry in ClinVar:

ClinVar aggregate classification (germline): Uncertain significance (1 of 4 stars; one submission).

Allele frequency attached by ClinVar (database versions not stated): gnomAD 0.00001; TOPMed 0.00001; ExAC 0.00002.
gnomAD v4.1: 14 of 1,612,540 alleles (0.00087%); highest among the groups gnomAD compares: Non-Finnish European, 0.0011%; no homozygotes.

Submission:

Labcorp Genetics (formerly Invitae), Labcorp
Classification: Uncertain significance. Last evaluated: 2021-12-18. Review status: criteria provided, single submitter. Criteria: Invitae Variant Classification Sherloc (09022015). Collection method: clinical testing. Allele origin: germline.
Comment: This sequence change replaces glutamic acid, which is acidic and polar, with lysine, which is basic and polar, at codon 155 of the MME protein (p.Glu155Lys). This variant is present in population databases (rs774622585, gnomAD 0.002%). This variant has not been reported in the literature in individuals affected with MME-related conditions. Algorithms developed to predict the effect of missense changes on protein structure and function output the following: SIFT: "Tolerated"; PolyPhen-2: "Benign"; Align-GVGD: "Class C0". The lysine amino acid residue is found in multiple mammalian species, which suggests that this missense change does not adversely affect protein function. In summary, the available evidence is currently insufficient to determine the role of this variant in disease. Therefore, it has been classified as a Variant of Uncertain Significance.

NM_007289.4(MME):c.463G>A (p.Glu155Lys)

Gene: MME (membrane metalloendopeptidase; plus strand). Cytogenetic location: 3q25.2.
Variant type: single nucleotide variant.
Coding change: c.463G>A on transcript NM_007289.4 (MANE Select); coding-DNA position 463, G replaced by A.
Protein change: p.Glu155Lys; replaces glutamic acid 155 with lysine.
Molecular consequence: missense variant.
Genome position (GRCh38, 1-based): chr3:155,116,687, G>A. VCF-style: chr3-155116687-G-A. GRCh37 (hg19) VCF-style: chr3-154834476-G-A.
Other names: c.463G>A, p.Glu155Lys (NM_000902.5, NM_001354642.2, NM_001354643.1 and 2 more transcripts); short protein forms E155K.
Identifiers: ClinVar variation 1958501 (VCV001958501.2), dbSNP rs774622585, ClinGen allele CA2675175.